The following is an entry in ClinVar:

NM_004006.3(DMD):c.5647A>T (p.Lys1883Ter)

Gene: DMD (dystrophin; minus strand). Cytogenetic location: Xp21.1.
Variant type: single nucleotide variant.
Coding change: c.5647A>T on transcript NM_004006.3 (MANE Select); coding-DNA position 5647, A replaced by T.
Protein change: p.Lys1883Ter; replaces lysine 1883 with a stop codon.
Molecular consequence: nonsense.
Genome position (GRCh38, 1-based): chrX:32,343,226, T>A on the plus strand (A>T on the coding strand, the complement: DMD is on the minus strand). VCF-style: chrX-32343226-T-A. GRCh37 (hg19) VCF-style: chrX-32361343-T-A.
Other names: c.5623A>T, p.Lys1875Ter (NM_000109.4); c.5635A>T, p.Lys1879Ter (NM_004009.3); c.5278A>T, p.Lys1760Ter (NM_004010.3); c.1624A>T, p.Lys542Ter (NM_004011.4); c.1615A>T, p.Lys539Ter (NM_004012.4); short protein forms K1883*, K1760*, K1879*, K542*, K1875*, K539*.
Identifiers: ClinVar variation 409892 (VCV000409892.12), dbSNP rs1060502623, ClinGen allele CA16616669.

ClinVar aggregate classification (germline): Pathogenic (1 of 4 stars; one submission).

Conditions:
Duchenne muscular dystrophy (DMD). Also called: MUSCULAR DYSTROPHY, PSEUDOHYPERTROPHIC PROGRESSIVE, DUCHENNE TYPE; Duchenne Muscular Dystrophy (DMD). Identifiers: Orphanet 98896, MedGen C0013264, MONDO:0010679, OMIM 310200.

Submission:

Labcorp Genetics (formerly Invitae), Labcorp
Classification: Pathogenic for Duchenne muscular dystrophy. Last evaluated: 2019-07-31. Review status: criteria provided, single submitter. Criteria: Invitae Variant Classification Sherloc (09022015). Collection method: clinical testing. Allele origin: germline.
Comment: For these reasons, this variant has been classified as Pathogenic. Loss-of-function variants in DMD are known to be pathogenic. This particular variant has been reported in the literature in an individual affected with DMD-related muscular dystrophy (PMID: 23756440). This sequence change creates a premature translational stop signal at codon 1883 (p.Lys1883*) of the DMD gene. It is expected to result in an absent or disrupted protein product.

Literature cited by the submitters: PubMed 23756440.